The following is an entry in ClinVar:

ClinVar aggregate classification (germline): Likely pathogenic (1 of 4 stars; one submission).

Conditions:
Charlevoix-Saguenay spastic ataxia (SACS). Also called: Spastic ataxia of Charlevoix-Saguenay; SPASTIC ATAXIA 6, AUTOSOMAL RECESSIVE; AUTOSOMAL RECESSIVE SPASTIC ATAXIA OF CHARLEVOIX-SAGUENAY. Identifiers: Orphanet 98, MedGen C1849140, MONDO:0010041, OMIM 270550.

Submission:

Laboratorio de Genetica e Diagnostico Molecular, Hospital Israelita Albert Einstein
Classification: Likely pathogenic for Charlevoix-Saguenay spastic ataxia. Last evaluated: 2023-09-28. Review status: criteria provided, single submitter. Criteria: ACMG Guidelines, 2015. Collection method: clinical testing. Allele origin: germline. Affected: yes.
Comment: ACMG classification criteria: PVS1 strong, PM2 moderate, PM3 supporting

NM_014363.6(SACS):c.8239del (p.Ile2747fs)

Gene: SACS (sacsin molecular chaperone; minus strand). Cytogenetic location: 13q12.12.
Variant type: Deletion.
Coding change: c.8239del on transcript NM_014363.6 (MANE Select); coding-DNA position 8239, one base deleted (A; older notation c.8239delA).
Protein change: p.Ile2747fs; shifts the reading frame from isoleucine 2747.
Molecular consequence: frameshift variant.
Genome position (GRCh38, 1-based): chr13:23,335,637, T deleted on the plus strand (A on the coding strand, the reverse complement: SACS is on the minus strand); the first of 6 consecutive T bases (chr13:23,335,637-23,335,642); deleting any one gives the same sequence. VCF-style (leftmost placement, unchanged base first): chr13-23335636-AT-A. GRCh37 (hg19) VCF-style: chr13-23909775-AT-A.
Other names: c.7798del, p.Ile2600fs (NM_001278055.2); c.8266del, p.Ile2756fs (NM_001437336.1); short protein forms I2600fs, I2747fs, I2756fs.
Identifiers: ClinVar variation 4076397 (VCV004076397.1).